The following is an entry in ClinVar:

NM_001848.3(COL6A1):c.2865C>T (p.Ile955=)

Gene: COL6A1 (collagen type VI alpha 1 chain; plus strand). Cytogenetic location: 21q22.3.
Variant type: single nucleotide variant.
Coding change: c.2865C>T on transcript NM_001848.3 (MANE Select); coding-DNA position 2865, C replaced by T.
Protein change: p.Ile955=; no amino-acid change (isoleucine 955 retained).
Molecular consequence: synonymous variant.
Genome position (GRCh38, 1-based): chr21:46,003,791, C>T. VCF-style: chr21-46003791-C-T. GRCh37 (hg19) VCF-style: chr21-47423705-C-T.
Identifiers: ClinVar variation 93871 (VCV000093871.48), dbSNP rs138062080, ClinGen allele CA221783.

ClinVar aggregate classification (germline): Benign/Likely benign. Review status: criteria provided, multiple submitters, no conflicts (2 of 4 stars). 8 submissions from 8 submitters: Benign (4); Likely benign (4). Last evaluated 2026-08-01.

Conditions:
COL6A1-related disorder. Also called: COL6A1-related condition.
Bethlem myopathy 1A. Also called: MYOPATHY, BENIGN CONGENITAL, WITH CONTRACTURES; Bethlem myopathy 1; Bethlem Muscular Dystrophy. Identifiers: Orphanet 610, MedGen CN029274, MONDO:0024530, OMIM 158810.
Collagen 6-related myopathy. Identifiers: MedGen CN117976, MONDO:0100225.

Allele frequency attached by ClinVar (database versions not stated): 1000 Genomes Project 0.00020; 1000 Genomes Project 30x 0.00031; gnomAD exomes 0.00069 and 0.00138; ExAC 0.00107; ESP Exome Variant Server 0.00115; gnomAD 0.00121 and 0.00131; TOPMed 0.00134.
gnomAD v4.1: 1,293 of 1,611,070 alleles (0.08%); highest among the groups gnomAD compares: African/African-American, 0.18%; 7 homozygotes.

Submissions (8):

CeGaT Center for Human Genetics Tuebingen
Classification: Likely benign. Last evaluated: 2026-08-01. Review status: criteria provided, single submitter. Criteria: CeGaT Center For Human Genetics Tuebingen Variant Classification Criteria Version 2. Collection method: clinical testing. Allele origin: germline. Affected: yes. Observed: 3 variant alleles.
Comment: COL6A1: BP4, BP7

PreventionGenetics, part of Exact Sciences
Classification: Benign for COL6A1-related condition. Last evaluated: 2026-01-07. Review status: criteria provided, single submitter. Criteria: ACMG Guidelines, 2015. Collection method: clinical testing. Allele origin: germline.
Comment: This variant is classified as benign based on ACMG/AMP sequence variant interpretation guidelines (Richards et al. 2015 PMID: 25741868, with internal and published modifications).

Labcorp Genetics (formerly Invitae), Labcorp
Classification: Likely benign for Bethlem myopathy 1A. Last evaluated: 2025-12-29. Review status: criteria provided, single submitter. Criteria: Invitae Variant Classification Sherloc (09022015). Collection method: clinical testing. Allele origin: germline.

Blueprint Genetics
Classification: Likely benign. Last evaluated: 2024-10-18. Review status: criteria provided, single submitter. Criteria: ACMG Guidelines, 2015. Collection method: clinical testing. Allele origin: germline.

GeneDx
Classification: Benign. Last evaluated: 2019-07-22. Review status: criteria provided, single submitter. Criteria: GeneDx Variant Classification Process June 2021. Collection method: clinical testing. Allele origin: germline. Affected: yes.

Illumina Laboratory Services, Illumina
Classification: Benign for Collagen VI-related myopathy. Last evaluated: 2018-01-13. Review status: criteria provided, single submitter. Criteria: ICSL Variant Classification Criteria 13 December 2019. Collection method: clinical testing. Allele origin: germline.
Comment: This variant was observed in the ICSL laboratory as part of a predisposition screen in an ostensibly healthy population. It had not been previously curated by ICSL or reported in the Human Gene Mutation Database (HGMD: prior to June 1st, 2018), and was therefore a candidate for classification through an automated scoring system. Utilizing variant allele frequency, disease prevalence and penetrance estimates, and inheritance mode, an automated score was calculated to assess if this variant is too frequent to cause the disease. Based on the score and internal cut-off values, a variant classified as benign is not then subjected to further curation. The score for this variant resulted in a classification of benign for this disease.

Eurofins Ntd Llc (ga)
Classification: Benign. Last evaluated: 2017-05-16. Review status: criteria provided, single submitter. Criteria: EGL Classification Definitions 2015. Collection method: clinical testing. Allele origin: germline. Observed: 4 variant alleles, 4 heterozygotes.

Breakthrough Genomics
Classification: Likely benign. Review status: criteria provided, single submitter. Criteria: ACMG Guidelines, 2015. Collection method: not provided. Allele origin: germline. Inheritance: Autosomal recessive inheritance. Affected: yes.